The following is an entry in ClinVar:

ClinVar aggregate classification (germline): Uncertain significance. Review status: criteria provided, multiple submitters, no conflicts (2 of 4 stars). 5 submissions from 5 submitters: Uncertain significance (5). Last evaluated 2026-01-26.

Conditions:
Familial thoracic aortic aneurysm and aortic dissection (TAAD). Also called: Thoracic aortic aneurysms and dissections. Identifiers: Orphanet 91387, MedGen C4707243, MONDO:0019625.
Ehlers-Danlos syndrome, type 4 (EDSVASC). Also called: Ehlers-Danlos syndrome vascular type; Ehlers Danlos syndrome, ecchymotic type; Ehlers Danlos syndrome, arterial type; Ehlers Danlos syndrome, Sack-Barabas type; Ehlers-Danlos Syndrome Type IV. Identifiers: Orphanet 286, MedGen C0268338, MONDO:0017314, OMIM 130050.

Allele frequency attached by ClinVar (database versions not stated): gnomAD exomes below 0.00001 and 0.00001; gnomAD 0.00001.
gnomAD v4.1: 8 of 1,614,028 alleles (0.0005%); highest among the groups gnomAD compares: Middle Eastern, 0.016%; no homozygotes.

Submissions (5):

Labcorp Genetics (formerly Invitae), Labcorp
Classification: Uncertain significance for Ehlers-Danlos syndrome, type 4. Last evaluated: 2026-01-26. Review status: criteria provided, single submitter. Criteria: Invitae Variant Classification Sherloc (09022015). Collection method: clinical testing. Allele origin: germline.
Comment: This sequence change replaces arginine, which is basic and polar, with glutamine, which is neutral and polar, at codon 1024 of the COL3A1 protein (p.Arg1024Gln). This variant is present in population databases (no rsID available, gnomAD 0.003%). This variant has not been reported in the literature in individuals affected with COL3A1-related conditions. ClinVar contains an entry for this variant (Variation ID: 632774). Invitae Evidence Modeling of protein sequence and biophysical properties (such as structural, functional, and spatial information, amino acid conservation, physicochemical variation, residue mobility, and thermodynamic stability) has been performed for this missense variant. However, the output from this modeling did not meet the statistical confidence thresholds required to predict the impact of this variant on COL3A1 protein function. In summary, the available evidence is currently insufficient to determine the role of this variant in disease. Therefore, it has been classified as a Variant of Uncertain Significance.

Women's Health and Genetics/Laboratory Corporation of America, LabCorp
Classification: Uncertain significance. Last evaluated: 2025-05-19. Review status: criteria provided, single submitter. Criteria: LabCorp Variant Classification Summary - May 2015. Collection method: clinical testing. Allele origin: germline.
Comment: Variant summary: COL3A1 c.3071G>A (p.Arg1024Gln) results in a conservative amino acid change in the encoded protein sequence. Algorithms developed to predict the effect of missense changes on protein structure and function are either unavailable or do not agree on the potential impact of this missense change. The variant allele was found at a frequency of 1.2e-05 in 251412 control chromosomes. The available data on variant occurrences in the general population are insufficient to allow any conclusion about variant significance. To our knowledge, no occurrence of c.3071G>A in individuals affected with Aortopathy and no experimental evidence demonstrating its impact on protein function have been reported. ClinVar contains an entry for this variant (Variation ID: 632774). Based on the evidence outlined above, the variant was classified as uncertain significance.

GeneDx
Classification: Uncertain significance. Last evaluated: 2025-03-19. Review status: criteria provided, single submitter. Criteria: GeneDx Variant Classification Process June 2021. Collection method: clinical testing. Allele origin: germline.
Comment: Has not been previously published as pathogenic or benign to our knowledge; Not observed at significant frequency in large population cohorts (gnomAD); In silico analysis supports that this missense variant has a deleterious effect on protein structure/function

All of Us Research Program, National Institutes of Health
Classification: Uncertain significance for Ehlers-Danlos syndrome, type 4. Last evaluated: 2024-06-09. Review status: criteria provided, single submitter. Criteria: ACMG Guidelines, 2015. Collection method: clinical testing. Allele origin: germline. Inheritance: Autosomal dominant inheritance. Observed: 1 variant allele, 1 heterozygote.
Comment: This missense variant replaces arginine with glutamine at codon 1024 of the COL3A1 protein. Computational prediction tools and conservation analyses suggest that this variant may have deleterious impact on the protein function. Computational splicing tools suggest that this variant may not impact RNA splicing. To our knowledge, functional assays have not been performed for this variant nor has this variant been reported in individuals affected with cardiovascular disorders in the literature. This variant has been identified in 3/251412 chromosomes in the general population by the Genome Aggregation Database (gnomAD). Available evidence is insufficient to determine the role of this variant in disease conclusively. Therefore, this variant is classified as a Variant of Uncertain Significance.

This study involves interpretation of variants in research participants for the purpose of population health screening. Participant phenotype was not available at the time of variant classification. Additional details can be found in publication PMID: 35346344, PMCID: PMC8962531

Color Diagnostics, LLC DBA Color Health
Classification: Uncertain significance for Familial thoracic aortic aneurysm and aortic dissection. Last evaluated: 2023-12-05. Review status: criteria provided, single submitter. Criteria: ACMG Guidelines, 2015. Collection method: clinical testing. Allele origin: germline.
Comment: This missense variant replaces arginine with glutamine at codon 1024 of the COL3A1 protein. Computational prediction tools and conservation analyses suggest that this variant may have deleterious impact on the protein function. Computational splicing tools suggest that this variant may not impact RNA splicing. To our knowledge, functional assays have not been performed for this variant nor has this variant been reported in individuals affected with cardiovascular disorders in the literature. This variant has been identified in 3/251412 chromosomes in the general population by the Genome Aggregation Database (gnomAD). Available evidence is insufficient to determine the role of this variant in disease conclusively. Therefore, this variant is classified as a Variant of Uncertain Significance.

NM_000090.4(COL3A1):c.3071G>A (p.Arg1024Gln)

Gene: COL3A1 (collagen type III alpha 1 chain; plus strand). Cytogenetic location: 2q32.2.
Variant type: single nucleotide variant.
Coding change: c.3071G>A on transcript NM_000090.4 (MANE Select); coding-DNA position 3071, G replaced by A.
Protein change: p.Arg1024Gln; replaces arginine 1024 with glutamine.
Molecular consequence: missense variant.
Genome position (GRCh38, 1-based): chr2:189,006,237, G>A. VCF-style: chr2-189006237-G-A. GRCh37 (hg19) VCF-style: chr2-189870963-G-A.
Other names: short protein forms R1024Q.
Identifiers: ClinVar variation 632774 (VCV000632774.16), dbSNP rs1484867480, ClinGen allele CA349844948.